The following is an entry in ClinVar:

NM_003242.6(TGFBR2):c.1579G>A (p.Ala527Thr)

Gene: TGFBR2 (transforming growth factor beta receptor 2; plus strand). Cytogenetic location: 3p24.1.
Variant type: single nucleotide variant.
Coding change: c.1579G>A on transcript NM_003242.6 (MANE Select); coding-DNA position 1579, G replaced by A.
Protein change: p.Ala527Thr; replaces alanine 527 with threonine.
Molecular consequence: missense variant.
Genome position (GRCh38, 1-based): chr3:30,691,474, G>A. VCF-style: chr3-30691474-G-A. GRCh37 (hg19) VCF-style: chr3-30732966-G-A.
Other names: c.1654G>A, p.Ala552Thr (NM_001024847.3); c.1762G>A, p.Ala588Thr (NM_001407126.1); c.1687G>A, p.Ala563Thr (NM_001407127.1); c.1606G>A, p.Ala536Thr (NM_001407128.1); c.1582G>A, p.Ala528Thr (NM_001407129.1); c.1576G>A, p.Ala526Thr (NM_001407130.1); c.1474G>A, p.Ala492Thr (NM_001407132.1, NM_001407133.1, NM_001407134.1 and 2 more transcripts); c.1294G>A, p.Ala432Thr (NM_001407137.1); and 2 more; short protein forms A527T, A552T, A237T, A536T, A407T, A492T, A526T, A432T.
Identifiers: ClinVar variation 1066978 (VCV001066978.8), dbSNP rs2125455285, ClinGen allele CA351809598.

ClinVar aggregate classification (germline): Likely pathogenic. Review status: criteria provided, multiple submitters, no conflicts (2 of 4 stars). 2 submissions from 2 submitters: Likely pathogenic (2). Last evaluated 2020-02-19.

Conditions:
Familial thoracic aortic aneurysm and aortic dissection (TAAD). Also called: Thoracic aortic aneurysms and dissections. Identifiers: Orphanet 91387, MedGen C4707243, MONDO:0019625.

Submissions (2):

Labcorp Genetics (formerly Invitae), Labcorp
Classification: Likely pathogenic for Familial thoracic aortic aneurysm and aortic dissection. Last evaluated: 2020-02-19. Review status: criteria provided, single submitter. Criteria: Invitae Variant Classification Sherloc (09022015). Collection method: clinical testing. Allele origin: germline.
Comment: In summary, the currently available evidence indicates that the variant is pathogenic, but additional data are needed to prove that conclusively. Therefore, this variant has been classified as Likely Pathogenic. This variant disrupts the p.Ala527 amino acid residue in TGFBR2. Other variant(s) that disrupt this residue have been determined to be pathogenic (PMID: 16928994, 18852674, Invitae). This suggests that this residue is clinically significant, and that variants that disrupt this residue are likely to be disease-causing. Algorithms developed to predict the effect of missense changes on protein structure and function are either unavailable or do not agree on the potential impact of this missense change (SIFT: "Deleterious"; PolyPhen-2: "Probably Damaging"; Align-GVGD: "Class C0"). This variant has been observed in individual(s) with clinical features of Loeys-Dietz syndrome (PMID: 27508510, 27146836). It has also been observed to segregate with disease in related individuals. This variant is not present in population databases (ExAC no frequency). This sequence change replaces alanine with threonine at codon 527 of the TGFBR2 protein (p.Ala527Thr). The alanine residue is highly conserved and there is a small physicochemical difference between alanine and threonine.

Ambry Genetics
Classification: Likely pathogenic for Familial thoracic aortic aneurysm and aortic dissection. Last evaluated: 2020-02-13. Review status: criteria provided, single submitter. Criteria: Ambry Variant Classification Scheme 2023. Collection method: clinical testing. Allele origin: germline.
Comment: The p.A527T variant (also known as c.1579G>A), located in coding exon 7 of the TGFBR2 gene, results from a G to A substitution at nucleotide position 1579. The alanine at codon 527 is replaced by threonine, an amino acid with similar properties, and is located in the cbEGF-like #03 domain. This alteration has been detected in individuals with Loeys-Dietz syndrome (LDS), with co-segregation reported in at least two additional affected family members (Poninska JK et al. J Transl Med, 2016 May;14:115; Frischmeyer-Guerrerio PA et al. Sci Transl Med, 2013 Jul;5:195ra94; Guerrerio AL et al. Inflamm. Bowel Dis., 2016 09;22:2058-2062). This variant was not reported in population-based cohorts in the Genome Aggregation Database (gnomAD). This amino acid position is highly conserved in available vertebrate species. In addition, the in silico prediction for this alteration is inconclusive. Based on the majority of available evidence to date, this variant is likely to be pathogenic.

Literature cited by the submitters: PubMed 16928994 (cited by Labcorp Genetics (formerly Invitae), Labcorp); PubMed 18852674 (cited by Labcorp Genetics (formerly Invitae), Labcorp); PubMed 27508510 (cited by Labcorp Genetics (formerly Invitae), Labcorp and Ambry Genetics); PubMed 27146836 (cited by Labcorp Genetics (formerly Invitae), Labcorp and Ambry Genetics); PubMed 23884466 (cited by Ambry Genetics).